The following is an entry in ClinVar:

NM_014515.7(CNOT2):c.821C>T (p.Ser274Leu)

Gene: CNOT2 (CCR4-NOT transcription complex subunit 2; plus strand). Cytogenetic location: 12q15.
Variant type: single nucleotide variant.
Coding change: c.821C>T on transcript NM_014515.7 (MANE Select); coding-DNA position 821, C replaced by T.
Protein change: p.Ser274Leu; replaces serine 274 with leucine.
Molecular consequence: missense variant. On other transcripts: non-coding transcript variant (1).
Genome position (GRCh38, 1-based): chr12:70,337,434, C>T. VCF-style: chr12-70337434-C-T. GRCh37 (hg19) VCF-style: chr12-70731214-C-T.
Other names: c.821C>T, p.Ser274Leu (NM_001199302.2, NM_001199303.2, NM_001414651.1 and 1 more transcripts); c.794C>T, p.Ser265Leu (NM_001414653.1, NM_001414654.1, NM_001414655.1); c.779C>T, p.Ser260Leu (NM_001414656.1); c.761C>T, p.Ser254Leu (NM_001414657.1, NM_001414658.1, NM_001414659.1 and 1 more transcripts); c.698C>T, p.Ser233Leu (NM_001414661.1); c.638C>T, p.Ser213Leu (NM_001414662.1); short protein forms S213L, S233L, S254L, S260L, S265L, S274L.
Identifiers: ClinVar variation 3776672 (VCV003776672.1).

ClinVar aggregate classification (germline): Uncertain significance (1 of 4 stars; one submission).

Submission:

GeneDx
Classification: Uncertain significance. Last evaluated: 2024-10-02. Review status: criteria provided, single submitter. Criteria: GeneDx Variant Classification Process June 2021. Collection method: clinical testing. Allele origin: germline. Affected: yes.
Comment: Not observed at significant frequency in large population cohorts (gnomAD); In silico analysis supports that this missense variant has a deleterious effect on protein structure/function; Has not been previously published as pathogenic or benign to our knowledge